The following is an entry in ClinVar:

NM_199242.3(UNC13D):c.2831-14C>T

Genes: UNC13D (unc-13 homolog D; minus strand), LOC112533672 (Sharpr-MPRA regulatory region 1193; plus strand). Cytogenetic location: 17q25.1.
Variant type: single nucleotide variant.
Coding change: c.2831-14C>T on transcript NM_199242.3 (MANE Select); 14 bases into the intron before coding-DNA position 2831, C replaced by T.
Molecular consequence: intron variant.
Genome position (GRCh38, 1-based): chr17:75,830,165, G>A on the plus strand (C>T on the coding strand, the complement: UNC13D is on the minus strand). VCF-style: chr17-75830165-G-A. GRCh37 (hg19) VCF-style: chr17-73826246-G-A.
Other names: c.2831-14C>T (NM_199242.2).
Identifiers: ClinVar variation 2173092 (VCV002173092.5), dbSNP rs567552311, ClinGen allele CA8772360.
Genomic context (GRCh38, chr17:75,830,165, plus strand): 5'-CTCATGCCTGGGCTCCAAGGTCAGCTGGACAAAGGGGTCGCTGGAGCCTGGTAAGTGGCC[G>A]GGGAGTGTGCGTCAGCTGAGGGTCTCCCAGGCACCCCACCCCAGCAGCTATGCTCTGCTC-3'

ClinVar aggregate classification (germline): Likely benign. Review status: criteria provided, multiple submitters, no conflicts (2 of 4 stars). 2 submissions from 2 submitters: Likely benign (2). Last evaluated 2026-01-03.

Conditions:
UNC13D-related disorder. Also called: UNC13D-related condition.
Familial hemophagocytic lymphohistiocytosis 3 (FHL3). Also called: UNC13D-Related Familial Hemophagocytic Lymphohistiocytosis (UNC13D-fHLH). Identifiers: Orphanet 540, MedGen C1837174, MONDO:0012146, OMIM 608898.

Allele frequency attached by ClinVar (database versions not stated): ExAC 0.00003.
gnomAD v4.1: 38 of 1,585,544 alleles (0.0024%); highest among the groups gnomAD compares: African/African-American, 0.0067%; no homozygotes.

Submissions (2):

Labcorp Genetics (formerly Invitae), Labcorp
Classification: Likely benign for Familial hemophagocytic lymphohistiocytosis 3. Last evaluated: 2026-01-03. Review status: criteria provided, single submitter. Criteria: Invitae Variant Classification Sherloc (09022015). Collection method: clinical testing. Allele origin: germline.

PreventionGenetics, part of Exact Sciences
Classification: Likely benign for UNC13D-related condition. Last evaluated: 2025-01-04. Review status: criteria provided, single submitter. Criteria: ACMG Guidelines, 2015. Collection method: clinical testing. Allele origin: germline.
Comment: This variant is classified as likely benign based on ACMG/AMP sequence variant interpretation guidelines (Richards et al. 2015 PMID: 25741868, with internal and published modifications).